The following is an entry in ClinVar:

NM_004055.5(CAPN5):c.493A>G (p.Lys165Glu)

Gene: CAPN5 (calpain 5; plus strand). Cytogenetic location: 11q13.5.
Variant type: single nucleotide variant.
Coding change: c.493A>G on transcript NM_004055.5 (MANE Select); coding-DNA position 493, A replaced by G.
Protein change: p.Lys165Glu; replaces lysine 165 with glutamic acid.
Molecular consequence: missense variant.
Genome position (GRCh38, 1-based): chr11:77,112,784, A>G. VCF-style: chr11-77112784-A-G. GRCh37 (hg19) VCF-style: chr11-76823830-A-G.
Other names: short protein forms K165E.
Identifiers: ClinVar variation 1353729 (VCV001353729.8), dbSNP rs2135475005, ClinGen allele CA381937412.
Genomic context (GRCh38, chr11:77,112,784, plus strand): 5'-AACCAGCTCATCTACTGCCACTCCAACTCCCGCAATGAGTTTTGGTGCGCCCTAGTGGAG[A>G]AGGCCTATGCCAAGTAGGTGCCAGCAGCAGGCAGGTGGGTGGGAGGCCCAGACGGGGGTG-3'
Protein context (NP_004046.2, residues 155-175): RNEFWCALVE[Lys165Glu]AYAKLAGCYQ

ClinVar aggregate classification (germline): Uncertain significance (1 of 4 stars; one submission).

Allele frequency attached by ClinVar (database versions not stated): gnomAD exomes below 0.00001.

Submission:

Labcorp Genetics (formerly Invitae), Labcorp
Classification: Uncertain significance. Last evaluated: 2021-03-25. Review status: criteria provided, single submitter. Criteria: Invitae Variant Classification Sherloc (09022015). Collection method: clinical testing. Allele origin: germline.
Comment: In summary, the available evidence is currently insufficient to determine the role of this variant in disease. Therefore, it has been classified as a Variant of Uncertain Significance. Algorithms developed to predict the effect of missense changes on protein structure and function are either unavailable or do not agree on the potential impact of this missense change (SIFT: "Deleterious"; PolyPhen-2: "Possibly Damaging"; Align-GVGD: "Class C0"). This variant has not been reported in the literature in individuals with CAPN5-related conditions. This variant is not present in population databases (ExAC no frequency). This sequence change replaces lysine with glutamic acid at codon 165 of the CAPN5 protein (p.Lys165Glu). The lysine residue is moderately conserved and there is a small physicochemical difference between lysine and glutamic acid.